The following is an entry in ClinVar:

NM_004415.4(DSP):c.6718C>A (p.Gln2240Lys)

Gene: DSP (desmoplakin; plus strand). Cytogenetic location: 6p24.3.
Variant type: single nucleotide variant.
Coding change: c.6718C>A on transcript NM_004415.4 (MANE Select); coding-DNA position 6718, C replaced by A.
Protein change: p.Gln2240Lys; replaces glutamine 2240 with lysine.
Molecular consequence: missense variant.
Genome position (GRCh38, 1-based): chr6:7,583,980, C>A. VCF-style: chr6-7583980-C-A. GRCh37 (hg19) VCF-style: chr6-7584213-C-A.
Other names: c.4921C>A, p.Gln1641Lys (NM_001008844.3); c.5389C>A, p.Gln1797Lys (NM_001319034.2); c.6718C>A (LRG_423t1); short protein forms Q1641K, Q1797K, Q2240K.
Identifiers: ClinVar variation 648540 (VCV000648540.13), dbSNP rs374262024, ClinGen allele CA362691394.

ClinVar aggregate classification (germline): Conflicting classifications of pathogenicity. Review status: criteria provided, conflicting classifications (1 of 4 stars). 4 submissions from 4 submitters: Uncertain significance (3); Likely benign (1). Last evaluated 2026-04-06.

Conditions:
Arrhythmogenic cardiomyopathy with wooly hair and keratoderma. Also called: Dilated cardiomyopathy with woolly hair and keratoderma; PALMOPLANTAR KERATODERMA WITH LEFT VENTRICULAR CARDIOMYOPATHY AND WOOLLY HAIR; Carvajal syndrome; Arrhythmogenic cardiomyopathy with woolly hair and keratoderma. Identifiers: Orphanet 65282, MedGen C1854063, MONDO:0011581, OMIM 605676.
Arrhythmogenic right ventricular dysplasia 8 (ARVD8). Also called: Arrhythmogenic Right Ventricular Dysplasia/Cardiomyopathy 8; ARRHYTHMOGENIC RIGHT VENTRICULAR DYSPLASIA, FAMILIAL, 8; ARRHYTHMOGENIC RIGHT VENTRICULAR CARDIOMYOPATHY 8. Identifiers: MedGen C1843896, MONDO:0011831, OMIM 607450.
Cardiovascular phenotype. Identifiers: MedGen CN230736.

Allele frequency attached by ClinVar (database versions not stated): TOPMed 0.00001.
gnomAD v4.1: 7 of 1,613,982 alleles (0.00043%); highest among the groups gnomAD compares: South Asian, 0.0022%; no homozygotes.

Submissions (4):

GeneDx
Classification: Uncertain significance. Last evaluated: 2026-04-06. Review status: criteria provided, single submitter. Criteria: GeneDx Variant Classification Process June 2021. Collection method: clinical testing. Allele origin: germline.
Comment: Not observed at significant frequency in large population cohorts (gnomAD); In silico analysis suggests that this missense variant does not alter protein structure/function; Has not been previously published as pathogenic or benign to our knowledge

Labcorp Genetics (formerly Invitae), Labcorp
Classification: Uncertain significance for Arrhythmogenic cardiomyopathy with wooly hair and keratoderma; Arrhythmogenic right ventricular dysplasia 8. Last evaluated: 2025-06-24. Review status: criteria provided, single submitter. Criteria: Invitae Variant Classification Sherloc (09022015). Collection method: clinical testing. Allele origin: germline.
Comment: This sequence change replaces glutamine, which is neutral and polar, with lysine, which is basic and polar, at codon 2240 of the DSP protein (p.Gln2240Lys). This variant is not present in population databases (gnomAD no frequency). This variant has not been reported in the literature in individuals affected with DSP-related conditions. ClinVar contains an entry for this variant (Variation ID: 648540). An algorithm developed to predict the effect of missense changes on protein structure and function (PolyPhen-2) suggests that this variant is likely to be tolerated. In summary, the available evidence is currently insufficient to determine the role of this variant in disease. Therefore, it has been classified as a Variant of Uncertain Significance.

Ambry Genetics
Classification: Likely benign for Cardiovascular phenotype. Last evaluated: 2024-02-16. Review status: criteria provided, single submitter. Criteria: Ambry Variant Classification Scheme 2023. Collection method: clinical testing. Allele origin: germline.

All of Us Research Program, National Institutes of Health
Classification: Uncertain significance for Arrhythmogenic cardiomyopathy with wooly hair and keratoderma. Last evaluated: 2023-10-02. Review status: criteria provided, single submitter. Criteria: ACMG Guidelines, 2015. Collection method: clinical testing. Allele origin: germline. Inheritance: Autosomal dominant inheritance. Observed: 1 variant allele, 1 heterozygote.
Comment: This missense variant replaces glutamine with lysine at codon 2240 of the DSP protein. Computational prediction suggests that this variant may not impact protein structure and function (internally defined REVEL score threshold <= 0.5, PMID: 27666373). To our knowledge, functional studies have not been reported for this variant. This variant has not been reported in individuals affected with DSP-related disorders in the literature. This variant has not been identified in the general population by the Genome Aggregation Database (gnomAD). The available evidence is insufficient to determine the role of this variant in disease conclusively. Therefore, this variant is classified as a Variant of Uncertain Significance.

This study involves interpretation of variants in research participants for the purpose of population health screening. Participant phenotype was not available at the time of variant classification. Additional details can be found in publication PMID: 35346344, PMCID: PMC8962531